The following is an entry in ClinVar:

ClinVar aggregate classification (germline): Uncertain significance (1 of 4 stars; one submission).

Conditions:
Duchenne muscular dystrophy (DMD). Also called: MUSCULAR DYSTROPHY, PSEUDOHYPERTROPHIC PROGRESSIVE, DUCHENNE TYPE; Duchenne Muscular Dystrophy (DMD). Identifiers: Orphanet 98896, MedGen C0013264, MONDO:0010679, OMIM 310200.

Submission:

Labcorp Genetics (formerly Invitae), Labcorp
Classification: Uncertain significance for Duchenne muscular dystrophy. Last evaluated: 2024-04-24. Review status: criteria provided, single submitter. Criteria: Invitae Variant Classification Sherloc (09022015). Collection method: clinical testing. Allele origin: germline.
Comment: This sequence change replaces threonine, which is neutral and polar, with isoleucine, which is neutral and non-polar, at codon 1252 of the DMD protein (p.Thr1252Ile). This variant is not present in population databases (gnomAD no frequency). This variant has not been reported in the literature in individuals affected with DMD-related conditions. Advanced modeling of protein sequence and biophysical properties (such as structural, functional, and spatial information, amino acid conservation, physicochemical variation, residue mobility, and thermodynamic stability) performed at Invitae indicates that this missense variant is not expected to disrupt DMD protein function with a negative predictive value of 95%. In summary, the available evidence is currently insufficient to determine the role of this variant in disease. Therefore, it has been classified as a Variant of Uncertain Significance.

NM_004006.3(DMD):c.3755C>T (p.Thr1252Ile)

Gene: DMD (dystrophin; minus strand). Cytogenetic location: Xp21.1.
Variant type: single nucleotide variant.
Coding change: c.3755C>T on transcript NM_004006.3 (MANE Select); coding-DNA position 3755, C replaced by T.
Protein change: p.Thr1252Ile; replaces threonine 1252 with isoleucine.
Molecular consequence: missense variant.
Genome position (GRCh38, 1-based): chrX:32,448,487, G>A on the plus strand (C>T on the coding strand, the complement: DMD is on the minus strand). VCF-style: chrX-32448487-G-A. GRCh37 (hg19) VCF-style: chrX-32466604-G-A.
Other names: c.3731C>T, p.Thr1244Ile (NM_000109.4); c.3743C>T, p.Thr1248Ile (NM_004009.3); c.3386C>T, p.Thr1129Ile (NM_004010.3); short protein forms T1252I, T1248I, T1129I, T1244I.
Identifiers: ClinVar variation 3668375 (VCV003668375.2).